The following is an entry in ClinVar:

ClinVar aggregate classification (germline): Likely pathogenic (1 of 4 stars; one submission).

Conditions:
Tyrosinase-positive oculocutaneous albinism (OCA2). Also called: ALBINISM II; Albinism, oculocutaneous, type II; Oculocutaneous albinism type 2. Identifiers: Orphanet 79432, MedGen C0268495, MONDO:0008746, OMIM 203200.

Submission:

First Genomix Gene Laboratory, Genetic Diagnostics Department
Classification: Likely pathogenic for Tyrosinase-positive oculocutaneous albinism. Last evaluated: 2025-05-08. Review status: criteria provided, single submitter. Criteria: ACMG Guidelines, 2015. Collection method: clinical testing. Allele origin: germline. Inheritance: Autosomal recessive inheritance. Affected: no. Observed: 1 variant allele.

NM_000275.3(OCA2):c.635del (p.Leu212fs)

Gene: OCA2 (OCA2 melanosomal transmembrane protein; minus strand). Cytogenetic location: 15q13.1.
Variant type: Deletion.
Coding change: c.635del on transcript NM_000275.3 (MANE Select); coding-DNA position 635, one base deleted (T; older notation c.635delT).
Protein change: p.Leu212fs; shifts the reading frame from leucine 212.
Molecular consequence: frameshift variant.
Genome position (GRCh38, 1-based): chr15:28,022,512, A deleted on the plus strand (T on the coding strand, the reverse complement: OCA2 is on the minus strand). VCF-style (leftmost placement, unchanged base first): chr15-28022511-CA-C. GRCh37 (hg19) VCF-style: chr15-28267657-CA-C.
Other names: c.635del, p.Leu212fs (NM_001300984.2); c.635delT (NM_000275.3); short protein forms L212fs.
Identifiers: ClinVar variation 4845928 (VCV004845928.1).